The following is an entry in ClinVar:

NM_018942.3(HMX1):c.577C>T (p.Arg193Cys)

Gene: HMX1 (H6 family homeobox 1; minus strand). Cytogenetic location: 4p16.1.
Variant type: single nucleotide variant.
Coding change: c.577C>T on transcript NM_018942.3 (MANE Select); coding-DNA position 577, C replaced by T.
Protein change: p.Arg193Cys; replaces arginine 193 with cysteine.
Molecular consequence: missense variant. On other transcripts: intron variant (1).
Genome position (GRCh38, 1-based): chr4:8,868,163, G>A on the plus strand (C>T on the coding strand, the complement: HMX1 is on the minus strand). VCF-style: chr4-8868163-G-A. GRCh37 (hg19) VCF-style: chr4-8869889-G-A.
Other names: c.394+3058C>T (NM_001306142.2); short protein forms R193C.
Identifiers: ClinVar variation 1348197 (VCV001348197.8), dbSNP rs1002801088, ClinGen allele CA92349797.

ClinVar aggregate classification (germline): Uncertain significance (1 of 4 stars; one submission).

Allele frequency attached by ClinVar (database versions not stated): gnomAD exomes 0.00001; TOPMed 0.00001.

Submission:

Labcorp Genetics (formerly Invitae), Labcorp
Classification: Uncertain significance. Last evaluated: 2024-10-22. Review status: criteria provided, single submitter. Criteria: Invitae Variant Classification Sherloc (09022015). Collection method: clinical testing. Allele origin: germline.
Comment: This sequence change replaces arginine, which is basic and polar, with cysteine, which is neutral and slightly polar, at codon 193 of the HMX1 protein (p.Arg193Cys). The frequency data for this variant in the population databases is considered unreliable, as metrics indicate poor data quality at this position in the gnomAD database. This variant has not been reported in the literature in individuals affected with HMX1-related conditions. ClinVar contains an entry for this variant (Variation ID: 1348197). Invitae Evidence Modeling of protein sequence and biophysical properties (such as structural, functional, and spatial information, amino acid conservation, physicochemical variation, residue mobility, and thermodynamic stability) indicates that this missense variant is not expected to disrupt HMX1 protein function with a negative predictive value of 80%. In summary, the available evidence is currently insufficient to determine the role of this variant in disease. Therefore, it has been classified as a Variant of Uncertain Significance.